The following is an entry in ClinVar:

NM_001904.4(CTNNB1):c.495+1G>C

Genes: CTNNB1 (catenin beta 1; plus strand), LOC126806658 (BRD4-independent group 4 enhancer GRCh37_chr3:41265899-41267098; plus strand). Cytogenetic location: 3p22.1.
Variant type: single nucleotide variant.
Coding change: c.495+1G>C on transcript NM_001904.4 (MANE Select); the canonical splice donor site of the intron after coding-DNA position 495, G replaced by C.
Molecular consequence: splice donor variant.
Genome position (GRCh38, 1-based): chr3:41,225,208, G>C. VCF-style: chr3-41225208-G-C. GRCh37 (hg19) VCF-style: chr3-41266699-G-C.
Other names: c.474+1G>C (NM_001330729.2); c.495+1G>C (NM_001098209.2, NM_001098210.2).
Identifiers: ClinVar variation 560987 (VCV000560987.2), dbSNP rs1559468403, ClinGen allele CA352229425.

ClinVar aggregate classification (germline): Pathogenic (1 of 4 stars; one submission).

Conditions:
Severe intellectual disability-progressive spastic diplegia syndrome (NEDSDV). Also called: NEURODEVELOPMENTAL DISORDER WITH SPASTIC DIPLEGIA AND VISUAL DEFECTS; CTNNB1 Neurodevelopmental Disorder. Identifiers: Orphanet 404473, MedGen C3554449, MONDO:0014035, OMIM 615075.

Submission:

Baylor Genetics
Classification: Pathogenic for Severe intellectual disability-progressive spastic diplegia syndrome. Last evaluated: 2017-09-01. Review status: criteria provided, single submitter. Criteria: ACMG Guidelines, 2015. Collection method: clinical testing. Allele origin: de novo. Inheritance: Autosomal dominant inheritance. Affected: yes.
Comment: This splice mutation is categorized as deleterious according to ACMG guidelines (PMID:18414213).

Literature cited by the submitters: PubMed 25326635.